The following is an entry in ClinVar:

ClinVar aggregate classification (germline): Pathogenic. Review status: reviewed by expert panel (3 of 4 stars). 12 submissions from 12 submitters: Pathogenic (1). 11 of the submissions do not count toward it. Last evaluated 2021-09-27.

Conditions:
MYH7-related disorder. Also called: MYH7-related disorders; MYH7-related condition; MYH7-related disease.
Cardiovascular phenotype. Identifiers: MedGen CN230736.
Hypertrophic cardiomyopathy 1 (CMH1). Also called: Familial hypertrophic cardiomyopathy 1; MYH7-Related Familial Hypertrophic Cardiomyopathy. Identifiers: MedGen C3495498, MONDO:0008647, OMIM 192600.
Dilated cardiomyopathy 1S (CMD1S). Identifiers: Orphanet 154, Orphanet 54260, MedGen C1834481, MONDO:0013262, OMIM 613426.
Primary dilated cardiomyopathy (DCM). Also called: Dilated Cardiomyopathy. Identifiers: Orphanet 217604, MedGen C0007193, MeSH D002311, MONDO:0005021, HP:0001644. Inheritance: Various modes of inheritance.
Hypertrophic cardiomyopathy. Also called: HYPERTROPHIC MYOCARDIOPATHY. Identifiers: Orphanet 217569, MedGen C0007194, MeSH D002312, MONDO:0005045, HP:0001639.

Allele frequency attached by ClinVar (database versions not stated): gnomAD exomes below 0.00001; ExAC 0.00001.
gnomAD v4.1: 2 of 1,614,176 alleles (0.00012%); highest among the groups gnomAD compares: Non-Finnish European, 0.000085%; no homozygotes.

Submissions 1 to 8 of 12:

ClinGen Cardiomyopathy Variant Curation Expert Panel
Classification: Pathogenic for Primary dilated cardiomyopathy. Last evaluated: 2021-09-27. Review status: reviewed by expert panel. Criteria: ClinGen CMP ACMG Specifications v1. Collection method: curation. Allele origin: germline. Inheritance: Autosomal dominant inheritance.
Comment: The NM_000257.4:c.2710C>T (p.Arg904Cys) variant in MYH7 has been identified in 4 individuals with DCM in the literature (1 of whom also had LVNC; van Spaendonck-Zwarts 2013 PMID:23349452; van der Zwaag 2011 PMID:20573160; Walsh 2017 PMID:27532257; Miller 2017 PMID29212898) and 3 individuals with LVNC (2 of which were pediatric; Yang 2014 PMID:25326635; Wang 2017 PMID:28855170; van Waning 2018 PMID:29447731). This variant was identified in 8 individuals with DCM and 1 proband with LVNC by clinical laboratories (GeneDx pers. comm.; Invitae pers. comm.; LMM pers. comm.; OMGL pers comm.). Only probands with DCM are counted towards PS4 (n=12; PS4_Moderate). This variant segregated with DCM in 15 affected individuals from 4 families (PP1_Strong; van der Zwaag 2011 PMID:20573160; GeneDx pers. comm.; LMM pers. comm.; OMGL pers. comm.) and was assumed de novo in 1 of the above cases (PM6; GeneDx pers. comm.). This variant has been identified in 0.010% (1/10080) of Ashkenazi Jewish chromosomes by gnomAD v2.1.1, but was absent from all other populations. A different pathogenic missense variant has been previously identified at this codon, which indicates that this residue may be critical to the function of the protein (PM5; c.2711G>A p.Arg904His - Variation ID 42926). Computational prediction tools and conservation analysis suggest that this variant may impact the protein (PP3). In summary, this variant meets criteria to be classified as pathogenic for dilated cardiomyopathy in an autosomal dominant manner. MYH7-specific ACMG/AMP criteria applied (Kelly 2018 PMID:29300372): PS4_Moderate, PP1_Strong, PM6, PM2, PM5, PP3.

CeGaT Center for Human Genetics Tuebingen
Classification: Pathogenic. Last evaluated: 2025-12-01. Review status: criteria provided, single submitter. Criteria: CeGaT Center For Human Genetics Tuebingen Variant Classification Criteria Version 2. Collection method: clinical testing. Allele origin: germline. Affected: yes. Observed: 4 variant alleles. Not counted in ClinVar's aggregate classification.
Comment: MYH7: PP1:Strong, PM1, PM2, PM5, PS4:Moderate, PP3

Labcorp Genetics (formerly Invitae), Labcorp
Classification: Pathogenic for Hypertrophic cardiomyopathy. Last evaluated: 2025-09-14. Review status: criteria provided, single submitter. Criteria: Invitae Variant Classification Sherloc (09022015). Collection method: clinical testing. Allele origin: germline. Not counted in ClinVar's aggregate classification.
Comment: This sequence change replaces arginine, which is basic and polar, with cysteine, which is neutral and slightly polar, at codon 904 of the MYH7 protein (p.Arg904Cys). This variant is present in population databases (rs727503253, gnomAD 0.01%). This missense change has been observed in individuals with dilated cardiomyopathy (PMID: 20573160, 23349452, 28855170, 29212898, 29447731; internal data). It has also been observed to segregate with disease in related individuals. ClinVar contains an entry for this variant (Variation ID: 164316). Invitae Evidence Modeling of protein sequence and biophysical properties (such as structural, functional, and spatial information, amino acid conservation, physicochemical variation, residue mobility, and thermodynamic stability) indicates that this missense variant is expected to disrupt MYH7 protein function with a positive predictive value of 95%. This variant disrupts the p.Arg904 amino acid residue in MYH7. Other variant(s) that disrupt this residue have been determined to be pathogenic (PMID: 21750094, 22464770, 25448463; internal data). This suggests that this residue is clinically significant, and that variants that disrupt this residue are likely to be disease-causing. For these reasons, this variant has been classified as Pathogenic.

Molecular Diagnostic Laboratory for Inherited Cardiovascular Disease, Montreal Heart Institute
Classification: Pathogenic for Cardiovascular phenotype. Last evaluated: 2024-12-11. Review status: criteria provided, single submitter. Criteria: ACMG Guidelines, 2015. Collection method: clinical testing. Allele origin: germline. Affected: yes. Not counted in ClinVar's aggregate classification.
Comment: PS4, PP1_strong, PM1, PM2, PM5, PP3

Department of Human Genetics, Hannover Medical School
Classification: Pathogenic for Dilated cardiomyopathy 1S. Last evaluated: 2024-10-30. Review status: criteria provided, single submitter. Criteria: ACMG Guidelines, 2015. Collection method: clinical testing. Allele origin: germline. Affected: yes. Not counted in ClinVar's aggregate classification.
Comment: MYH7 VCEP: PS4_Moderate, PM2_Supporting, PM5, PM6, PP1_Strong, PP3

Blueprint Genetics
Classification: Pathogenic for MYH7-related disorders. Last evaluated: 2024-06-26. Review status: criteria provided, single submitter. Criteria: ACMG Guidelines, 2015. Collection method: clinical testing. Allele origin: germline. Affected: yes. Observed: 5 variant alleles. Not counted in ClinVar's aggregate classification.

Victorian Clinical Genetics Services, Murdoch Childrens Research Institute
Classification: Pathogenic for Dilated cardiomyopathy 1S. Last evaluated: 2022-09-02. Review status: criteria provided, single submitter. Criteria: ACMG Guidelines, 2015. Collection method: clinical testing. Allele origin: germline. Inheritance: Autosomal dominant inheritance. Affected: yes. Not counted in ClinVar's aggregate classification.
Comment: Based on the classification scheme VCGS_Germline_v1.3.4, this variant is classified as Pathogenic. Following criteria are met: 0105 - The mechanism of disease for this gene is not clearly established; however, missense variants have been proposed to act in a dominant negative manner (PMID: 24714796). (I) 0108 - This gene is associated with both recessive and dominant disease. Pathogenic variants in this gene are usually heterozygous; however, a recessive inheritance pattern has been observed in severe cases (OMIM). (I) 0112 - The condition associated with this gene has incomplete penetrance (PMID: 29300372). (I) 0200 - Variant is predicted to result in a missense amino acid change from arginine to cysteine. (I) 0251 - This variant is heterozygous. (I) 0302 - Variant is present in gnomAD (v2) <0.001 for a dominant condition (1 heterozygote, 0 homozygotes). (SP) 0501 - Missense variant consistently predicted to be damaging by multiple in silico tools or highly conserved with a major amino acid change. (SP) 0602 - Variant is located in a hotspot region or cluster of pathogenic variants. This variant is found within the head region, which is enriched with pathogenic missense variants (PMID: 29300372). (SP) 0701 - Other missense variants comparable to the one identified in this case have very strong previous evidence for pathogenicity. These alternative changes (p.(Arg904His), p.(Arg904Leu), p.(Arg904Pro)) have been reported multiple times as likely pathogenic or pathogenic (ClinVar). (SP) 0801 - This variant has strong previous evidence of pathogenicity in unrelated individuals. This variant has been classified as pathogenic by an expert panel, and has been observed in multiple individuals with either dilated cardiomyopathy or left ventricular noncompaction cardiomyopathy (ClinVar, PMID: 34935411). (SP) 1208 - Inheritance information for this variant is not currently available in this individual. (I) Legend: (SP) - Supporting pathogenic, (I) - Information, (SB) - Supporting benign

Ambry Genetics
Classification: Pathogenic for Cardiovascular phenotype. Last evaluated: 2020-07-09. Review status: criteria provided, single submitter. Criteria: Ambry Variant Classification Scheme 2023. Collection method: clinical testing. Allele origin: germline. Not counted in ClinVar's aggregate classification.
Comment: The p.R904C pathogenic mutation (also known as c.2710C>T), located in coding exon 21 of the MYH7 gene, results from a C to T substitution at nucleotide position 2710. The arginine at codon 904 is replaced by cysteine, an amino acid with highly dissimilar properties and is located in the head (motor) domain of the protein. This variant was reported to segregate with disease in a large, multi-generational family with multiple members diagnosed with dilated cardiomyopathy (DCM) (van der Zwaag PA et al. Clin. Genet., 2011 May;79:459-67). Additionally, this variant has been reported in various cohorts of individuals diagnosed with DCM or left ventricular non-compaction (LVNC), however clinical data was limited (Wang C et al. J Am Heart Assoc, 2017 Aug;6(9); Miller EM et al. Circ Cardiovasc Genet, 2017 Dec;10(6); van Waning JI et al. J. Am. Coll. Cardiol., 2018 02;71:711-722). An alternate amino acid substitution at this position, p.R409H, has been reported in individual(s) with dilated cardiomyopathy (Waldm&uuml;ller S et al. Eur. J. Heart Fail., 2011 Nov;13:1185-92). In addition to the clinical data presented in the literature, this amino acid position is highly conserved in available vertebrate species. Furthermore, this alteration is predicted to be deleterious by in silico analysis. Based on the supporting evidence, this alteration is interpreted as a disease-causing mutation.

NM_000257.4(MYH7):c.2710C>T (p.Arg904Cys)

Gene: MYH7 (myosin heavy chain 7; minus strand). Cytogenetic location: 14q11.2.
Variant type: single nucleotide variant.
Coding change: c.2710C>T on transcript NM_000257.4 (MANE Select); coding-DNA position 2710, C replaced by T.
Protein change: p.Arg904Cys; replaces arginine 904 with cysteine.
Molecular consequence: missense variant.
Genome position (GRCh38, 1-based): chr14:23,424,119, G>A on the plus strand (C>T on the coding strand, the complement: MYH7 is on the minus strand). VCF-style: chr14-23424119-G-A. GRCh37 (hg19) VCF-style: chr14-23893328-G-A.
Other names: NM_000257.4(MYH7):c.2710C>T; short protein forms R904C.
Identifiers: ClinVar variation 164316 (VCV000164316.38), dbSNP rs727503253, ClinGen allele CA012904.